The following is an entry in ClinVar:

NM_001853.4(COL9A3):c.1325G>T (p.Gly442Val)

Gene: COL9A3 (collagen type IX alpha 3 chain; plus strand). Cytogenetic location: 20q13.33.
Variant type: single nucleotide variant.
Coding change: c.1325G>T on transcript NM_001853.4 (MANE Select); coding-DNA position 1325, G replaced by T.
Protein change: p.Gly442Val; replaces glycine 442 with valine.
Molecular consequence: missense variant.
Genome position (GRCh38, 1-based): chr20:62,833,021, G>T. VCF-style: chr20-62833021-G-T. GRCh37 (hg19) VCF-style: chr20-61464373-G-T.
Other names: short protein forms G442V.
Identifiers: ClinVar variation 3659105 (VCV003659105.2).
Genomic context (GRCh38, chr20:62,833,021, plus strand): 5'-CATGAAGTCCCTACTCATGCATGAACAGCTCTTTTAACTTTGGGGTGTATCGTTTTCAGG[G>T]TATTGCAGGTTCCGACGGTCTTCCTGGGGATAAAGGAGAACTGGTGAGTAATTAGGTAAC-3'
Protein context (NP_001844.3, residues 432-452): GGAAGPKGDQ[Gly442Val]IAGSDGLPGD

ClinVar aggregate classification (germline): Uncertain significance (1 of 4 stars; one submission).

gnomAD v4.1: 1 of 1,613,816 alleles (0.000062%); highest among the groups gnomAD compares: Non-Finnish European, 0.000085%; no homozygotes.

Submission:

Labcorp Genetics (formerly Invitae), Labcorp
Classification: Uncertain significance. Last evaluated: 2024-07-23. Review status: criteria provided, single submitter. Criteria: Invitae Variant Classification Sherloc (09022015). Collection method: clinical testing. Allele origin: germline.
Comment: This sequence change replaces glycine, which is neutral and non-polar, with valine, which is neutral and non-polar, at codon 442 of the COL9A3 protein (p.Gly442Val). This variant is present in population databases (rs756630714, gnomAD 0.0009%). This variant has not been reported in the literature in individuals affected with COL9A3-related conditions. An algorithm developed to predict the effect of missense changes on protein structure and function (PolyPhen-2) suggests that this variant is likely to be disruptive. In summary, the available evidence is currently insufficient to determine the role of this variant in disease. Therefore, it has been classified as a Variant of Uncertain Significance.